The following is an entry in ClinVar:

ClinVar aggregate classification (germline): Uncertain significance (1 of 4 stars; one submission).

Conditions:
Hereditary cancer-predisposing syndrome. Also called: Neoplastic Syndromes, Hereditary; Tumor predisposition; Hereditary neoplastic syndrome; Hereditary Cancer Syndrome. Identifiers: Orphanet 140162, MedGen C0027672, MeSH D009386, MONDO:0015356.

Submission:

Ambry Genetics
Classification: Uncertain significance for Hereditary cancer-predisposing syndrome. Last evaluated: 2024-03-04. Review status: criteria provided, single submitter. Criteria: Ambry Variant Classification Scheme 2023. Collection method: clinical testing. Allele origin: germline.
Comment: The p.A421S variant (also known as c.1261G>T), located in coding exon 12 of the FANCC gene, results from a G to T substitution at nucleotide position 1261. The alanine at codon 421 is replaced by serine, an amino acid with similar properties. This amino acid position is conserved. In addition, this alteration is predicted to be tolerated by in silico analysis. Based on the available evidence, the clinical significance of this alteration remains unclear.

NM_000136.3(FANCC):c.1261G>T (p.Ala421Ser)

Genes: AOPEP (aminopeptidase O (putative); plus strand), FANCC (FA complementation group C; minus strand). Cytogenetic location: 9q22.32.
Variant type: single nucleotide variant.
Coding change: c.1261G>T on transcript NM_000136.3 (MANE Select); coding-DNA position 1261, G replaced by T.
Protein change: p.Ala421Ser; replaces alanine 421 with serine.
Molecular consequence: missense variant.
Genome position (GRCh38, 1-based): chr9:95,111,531, C>A on the plus strand (G>T on the coding strand, the complement: FANCC is on the minus strand). VCF-style: chr9-95111531-C-A. GRCh37 (hg19) VCF-style: chr9-97873813-C-A.
Other names: c.1261G>T, p.Ala421Ser (NM_001243743.2, NM_001243744.2); short protein forms A421S.
Identifiers: ClinVar variation 3230358 (VCV003230358.1), dbSNP rs780136692, ClinGen allele CA374107358.